The following is an entry in ClinVar:

NM_000452.3(SLC10A2):c.24G>A (p.Val8=)

Gene: SLC10A2 (solute carrier family 10 member 2; minus strand). Cytogenetic location: 13q33.1.
Variant type: single nucleotide variant.
Coding change: c.24G>A on transcript NM_000452.3 (MANE Select); coding-DNA position 24, G replaced by A.
Protein change: p.Val8=; no amino-acid change (valine 8 retained).
Molecular consequence: synonymous variant.
Genome position (GRCh38, 1-based): chr13:103,066,226, C>T on the plus strand (G>A on the coding strand, the complement: SLC10A2 is on the minus strand). VCF-style: chr13-103066226-C-T. GRCh37 (hg19) VCF-style: chr13-103718576-C-T.
Identifiers: ClinVar variation 720612 (VCV000720612.7), dbSNP rs1042375031, ClinGen allele CA255216864.
Genomic context (GRCh38, chr13:103,066,226, plus strand): 5'-GTTATTGAAATTGCTCTCAGGTACCACACAGGATGCACCAGAGCAAACTGTTGCATTGTC[C>T]ACACAGCTGTTCGGATCATTCATTGCTGGGTCTGCTGCTGGAAAGGCCAAGTCCACAGAA-3'
Protein context (NP_000443.2, residues 1-18): MNDPNSC[Val8=]DNATVCSGAS

ClinVar aggregate classification (germline): Likely benign. Review status: criteria provided, multiple submitters, no conflicts (2 of 4 stars). 2 submissions from 2 submitters: Likely benign (2). Last evaluated 2025-12-17.

Conditions:
SLC10A2-related disorder. Also called: SLC10A2-related condition.

Allele frequency attached by ClinVar (database versions not stated): gnomAD exomes below 0.00001; gnomAD 0.00003 and 0.00004; TOPMed 0.00012.
gnomAD v4.1: 10 of 1,611,820 alleles (0.00062%); highest among the groups gnomAD compares: Admixed American, 0.01%; no homozygotes.

Submissions (2):

PreventionGenetics, part of Exact Sciences
Classification: Likely benign for SLC10A2-related condition. Last evaluated: 2025-12-17. Review status: criteria provided, single submitter. Criteria: ACMG Guidelines, 2015. Collection method: clinical testing. Allele origin: germline.
Comment: This variant is classified as likely benign based on ACMG/AMP sequence variant interpretation guidelines (Richards et al. 2015 PMID: 25741868, with internal and published modifications).

Labcorp Genetics (formerly Invitae), Labcorp
Classification: Likely benign. Last evaluated: 2025-11-12. Review status: criteria provided, single submitter. Criteria: Invitae Variant Classification Sherloc (09022015). Collection method: clinical testing. Allele origin: germline.